The following is an entry in ClinVar:

NM_001114753.3(ENG):c.98A>C (p.Gln33Pro)

Gene: ENG (endoglin; minus strand). Cytogenetic location: 9q34.11.
Variant type: single nucleotide variant.
Coding change: c.98A>C on transcript NM_001114753.3 (MANE Select); coding-DNA position 98, A replaced by C.
Protein change: p.Gln33Pro; replaces glutamine 33 with proline.
Molecular consequence: missense variant. On other transcripts: 5 prime UTR variant (1).
Genome position (GRCh38, 1-based): chr9:127,843,215, T>G on the plus strand (A>C on the coding strand, the complement: ENG is on the minus strand). VCF-style: chr9-127843215-T-G. GRCh37 (hg19) VCF-style: chr9-130605494-T-G.
Other names: p.Q33P:CAG>CCG; c.98A>C, p.Gln33Pro (NM_000118.4, NM_001406715.1); c.-449A>C (NM_001278138.2); short protein forms Q33P.
Identifiers: ClinVar variation 213204 (VCV000213204.4), dbSNP rs863223531, ClinGen allele CA320242.

ClinVar aggregate classification (germline): Uncertain significance (1 of 4 stars; one submission).

Submission:

GeneDx
Classification: Uncertain significance. Last evaluated: 2014-02-06. Review status: criteria provided, single submitter. Criteria: GeneDx Variant Classification (06012015). Collection method: clinical testing. Allele origin: germline. Affected: yes.
Comment: p.Gln33Pro (Q33P) CAG>CCG: c.98 A>C in exon 2 of the ENG gene (NM_000118.2) The Q33P variant in the ENG gene has not been reported as a disease-causing mutation or as a benign polymorphism to our knowledge. The Q33P variant is a non-conservative amino acid substitution as these residues differ in polarity, charge, size and/or other properties and is more likely to impact secondary structure. The Q33 residue is not well conserved across species. In silico analysis was inconsistent with regard to the effect this variant may have on the protein structure/function. A mutation in nearby residue (L32R) has been reported in association with HHT, supporting the functional importance of this region of the protein. The Q33P variant was not observed in approximately 6,500 individuals of European and African American ancestry in the NHLBI Exome Sequencing Project, indicating it is not a common benign variant in these populations. Therefore, based on the currently available information, it is unclear whether this variant is a pathogenic mutation or a rare benign variant.This variant was found in HHT-ARRHYTHMIA,ENG